The following is an entry in ClinVar:

NM_032977.4(CASP10):c.387G>T (p.Glu129Asp)

Gene: CASP10 (caspase 10; plus strand). Cytogenetic location: 2q33.1.
Variant type: single nucleotide variant.
Coding change: c.387G>T on transcript NM_032977.4 (MANE Select); coding-DNA position 387, G replaced by T.
Protein change: p.Glu129Asp; replaces glutamic acid 129 with aspartic acid.
Molecular consequence: missense variant.
Genome position (GRCh38, 1-based): chr2:201,187,745, G>T. VCF-style: chr2-201187745-G-T. GRCh37 (hg19) VCF-style: chr2-202052468-G-T.
Other names: p.Glu129Asp; c.387G>T, p.Glu129Asp (NM_032976.4, NM_001206524.2, NM_001206542.2 and 3 more transcripts); short protein forms E129D.
Identifiers: ClinVar variation 2930300 (VCV002930300.4), dbSNP rs762663648, ClinGen allele CA2052851.

ClinVar aggregate classification (germline): Uncertain significance. Review status: criteria provided, multiple submitters, no conflicts (2 of 4 stars). 2 submissions from 2 submitters: Uncertain significance (2). Last evaluated 2025-07-19.

Conditions:
Autoimmune lymphoproliferative syndrome type 2A (ALPS2A). Also called: Autoimmune lymphoproliferative syndrome type 2; CASP10-Related Autoimmune Lymphoproliferative Syndrome; AUTOIMMUNE LYMPHOPROLIFERATIVE SYNDROME, TYPE IIA. Identifiers: Orphanet 3261, MedGen C1858968, MONDO:0011383, OMIM 603909.

Allele frequency attached by ClinVar (database versions not stated): ExAC 0.00001; gnomAD 0.00001.
gnomAD v4.1: 9 of 1,613,960 alleles (0.00056%); highest among the groups gnomAD compares: Middle Eastern, 0.016%; no homozygotes.

Submissions (2):

Labcorp Genetics (formerly Invitae), Labcorp
Classification: Uncertain significance for Autoimmune lymphoproliferative syndrome type 2A. Last evaluated: 2025-07-19. Review status: criteria provided, single submitter. Criteria: Invitae Variant Classification Sherloc (09022015). Collection method: clinical testing. Allele origin: germline.
Comment: This sequence change replaces glutamic acid, which is acidic and polar, with aspartic acid, which is acidic and polar, at codon 129 of the CASP10 protein (p.Glu129Asp). This variant is present in population databases (rs762663648, gnomAD 0.003%). This variant has not been reported in the literature in individuals affected with CASP10-related conditions. ClinVar contains an entry for this variant (Variation ID: 2930300). Invitae Evidence Modeling of protein sequence and biophysical properties (such as structural, functional, and spatial information, amino acid conservation, physicochemical variation, residue mobility, and thermodynamic stability) indicates that this missense variant is not expected to disrupt CASP10 protein function with a negative predictive value of 80%. In summary, the available evidence is currently insufficient to determine the role of this variant in disease. Therefore, it has been classified as a Variant of Uncertain Significance.

Mayo Clinic Laboratories, Mayo Clinic
Classification: Uncertain significance. Last evaluated: 2023-09-11. Review status: criteria provided, single submitter. Criteria: ACMG Guidelines, 2015. Collection method: clinical testing. Allele origin: germline. Observed: 1 variant allele.
Comment: BP4